The following is an entry in ClinVar:

NM_001201543.2(FAM161A):c.1044T>A (p.Tyr348Ter)

Gene: FAM161A (FAM161 centrosomal protein A; minus strand). Cytogenetic location: 2p15.
Variant type: single nucleotide variant.
Coding change: c.1044T>A on transcript NM_001201543.2 (MANE Select); coding-DNA position 1044, T replaced by A.
Protein change: p.Tyr348Ter; replaces tyrosine 348 with a stop codon.
Molecular consequence: nonsense. On other transcripts: non-coding transcript variant (1).
Genome position (GRCh38, 1-based): chr2:61,839,960, A>T on the plus strand (T>A on the coding strand, the complement: FAM161A is on the minus strand). VCF-style: chr2-61839960-A-T. GRCh37 (hg19) VCF-style: chr2-62067095-A-T.
Other names: c.1044T>A (NM_001201543.1); c.1044T>A, p.Tyr348Ter (NM_032180.3); short protein forms Y348*.
Identifiers: ClinVar variation 2675377 (VCV002675377.3), dbSNP rs549784796, ClinGen allele CA346987554.

ClinVar aggregate classification (germline): Pathogenic/Likely pathogenic. Review status: criteria provided, multiple submitters, no conflicts (2 of 4 stars). 3 submissions from 3 submitters: Pathogenic (1); Likely pathogenic (2). Last evaluated 2024-04-12.

Conditions:
Retinitis pigmentosa 28 (RP28). Identifiers: Orphanet 791, MedGen C1419614, MONDO:0011630, OMIM 606068.
Retinitis pigmentosa (RP). Identifiers: Orphanet 791, MedGen C0035334, MeSH D012174, MONDO:0019200, OMIM 268000. Inheritance: Autosomal dominant, autosomal recessive and X linked inheritance.

gnomAD v4.1: 1 of 1,614,150 alleles (0.000062%); highest among the groups gnomAD compares: South Asian, 0.0011%; no homozygotes.

Submissions (3):

Fulgent Genetics
Classification: Likely pathogenic for Retinitis pigmentosa 28. Last evaluated: 2024-04-12. Review status: criteria provided, single submitter. Criteria: ACMG Guidelines, 2015. Collection method: clinical testing. Allele origin: germline.

Women's Health and Genetics/Laboratory Corporation of America, LabCorp
Classification: Pathogenic for Retinitis pigmentosa. Last evaluated: 2024-04-08. Review status: criteria provided, single submitter. Criteria: LabCorp Variant Classification Summary - May 2015. Collection method: clinical testing. Allele origin: germline.
Comment: Variant summary: FAM161A c.1044T>A (p.Tyr348X) results in a premature termination codon, predicted to cause a truncation of the encoded protein or absence of the protein due to nonsense mediated decay, which are commonly known mechanisms for disease. The variant was absent in 249478 control chromosomes (gnomAD). To our knowledge, no occurrence of c.1044T>A in individuals affected with Retinitis Pigmentosa and no experimental evidence demonstrating its impact on protein function have been reported. ClinVar contains an entry for this variant (Variation ID: 2675377). Based on the evidence outlined above, the variant was classified as pathogenic.

Baylor Genetics
Classification: Likely pathogenic for Retinitis pigmentosa 28. Last evaluated: 2023-05-07. Review status: criteria provided, single submitter. Criteria: ACMG Guidelines, 2015. Collection method: clinical testing. Allele origin: unknown.